The following is an entry in ClinVar:

ClinVar aggregate classification (germline): Likely benign (1 of 4 stars; one submission).

Allele frequency attached by ClinVar (database versions not stated): gnomAD 0.00001; TOPMed 0.00001.
gnomAD v4.1: 6 of 1,612,794 alleles (0.00037%); highest among the groups gnomAD compares: Non-Finnish European, 0.00051%; no homozygotes.

Submission:

CeGaT Center for Human Genetics Tuebingen
Classification: Likely benign. Last evaluated: 2022-03-01. Review status: criteria provided, single submitter. Criteria: CeGaT Center For Human Genetics Tuebingen Variant Classification Criteria Version 2. Collection method: clinical testing. Allele origin: germline. Affected: yes. Observed: 1 variant allele.
Comment: LMOD3: BP4, BP7

NM_198271.5(LMOD3):c.1632C>T (p.His544=)

Gene: LMOD3 (leiomodin 3; minus strand). Cytogenetic location: 3p14.1.
Variant type: single nucleotide variant.
Coding change: c.1632C>T on transcript NM_198271.5 (MANE Select); coding-DNA position 1632, C replaced by T.
Protein change: p.His544=; no amino-acid change (histidine 544 retained).
Molecular consequence: synonymous variant.
Genome position (GRCh38, 1-based): chr3:69,118,723, G>A on the plus strand (C>T on the coding strand, the complement: LMOD3 is on the minus strand). VCF-style: chr3-69118723-G-A. GRCh37 (hg19) VCF-style: chr3-69167874-G-A.
Other names: c.1632C>T, p.His544= (NM_001304418.3).
Identifiers: ClinVar variation 2653960 (VCV002653960.24), dbSNP rs1274961340, ClinGen allele CA434154472.